The following is an entry in ClinVar:

ClinVar aggregate classification (germline): Pathogenic/Likely pathogenic. Review status: criteria provided, multiple submitters, no conflicts (2 of 4 stars). 10 submissions from 10 submitters: Pathogenic (6); Likely pathogenic (4). Last evaluated 2026-08-26.

Conditions:
Early-infantile DEE. Also called: Early infantile epileptic encephalopathy with suppression bursts; Early infantile epileptic encephalopathy; Ohtahara syndrome. Identifiers: Orphanet 1934, MedGen C0393706, MONDO:0800491.
Paediatric disorders.
SCN8A-related disorder.
Developmental and epileptic encephalopathy, 13 (DEE13). Also called: SCN8A-Related Epilepsy; Developmental and Epileptic Encephalopathy (SCN8A-DEE); Early infantile epileptic encephalopathy 13. Identifiers: Orphanet 442835, MedGen C3281191, MONDO:0013801, OMIM 614558.
Epilepsy. Also called: Seizure disorder. Identifiers: MedGen C0014544, MeSH D004827, MONDO:0005027.
Epileptic encephalopathy. Identifiers: MedGen C0543888, HP:0200134.

Submissions (11):

GeneDx
Classification: Pathogenic. Last evaluated: 2026-08-26. Review status: criteria provided, single submitter. Criteria: GeneDx Variant Classification Process June 2021. Collection method: clinical testing. Allele origin: germline.
Comment: Published functional studies demonstrate a damaging gain of function effect (PMID: 31402610, 30615093); Not observed at significant frequency in large population cohorts (gnomAD); In silico analysis supports that this missense variant has a deleterious effect on protein structure/function; In silico analysis supports a deleterious effect on splicing; This variant is associated with the following publications: (PMID: 29235621, 30776697, 39843441, 27864847, 29128679, 28923014, 29429461, 30171078, 30615093, 31402610, 32090326, 32040247, 31440721, 35032046, 34431999, 33057194, 33149276, 35982159, 38174099, 39787995, 26029160)

NHS Central & South Genomic Laboratory Hub
Classification: Pathogenic for Paediatric disorders. Last evaluated: 2026-08-06. Review status: criteria provided, single submitter. Criteria: ACMG Guidelines, 2015. Collection method: clinical testing. Allele origin: germline. Affected: yes.

OLLIN Analises Genomicas, OLLIN
Classification: Likely pathogenic for Developmental and epileptic encephalopathy, 13. Last evaluated: 2025-07-15. Review status: criteria provided, single submitter. Criteria: ACMG Guidelines 2015 PMID 25741868. Collection method: clinical testing. Allele origin: germline. Affected: yes. Observed: 2 variant alleles.
Comment: The missense variant (chr12:51790401G>A), located in exon 25 (of 27), absent in gnomAD v4.1 non-UKB, is reported in ClinVar (VCV000207119.44) and in the scientific literature, and has also been identified de novo in individuals with epilepsy (PMID: 30615093). Functional studies suggest that this variant affects protein function (PMID: 30615093) and in silico analysis predicts that it has a deleterious effect. There is another reported pathogenic variant that results in the same amino acid residue substitution (ClinVar ID: VCV001345807.9 - c.4423G>C) and another with a different consequence (ClinVar ID: VCV003635206.2 - c.4424G>C p.Gly1475Ala). Based on the currently available evidence and the specific criteria for the ClinGen gene (GN070), this variant has been classified as likely pathogenic (PS1, PS2, PS3_P, PM2_P, PM5, PP3).

Labcorp Genetics (formerly Invitae), Labcorp
Classification: Pathogenic for Early-infantile DEE. Last evaluated: 2024-11-07. Review status: criteria provided, single submitter. Criteria: Invitae Variant Classification Sherloc (09022015). Collection method: clinical testing. Allele origin: germline.
Comment: This sequence change replaces glycine, which is neutral and non-polar, with arginine, which is basic and polar, at codon 1475 of the SCN8A protein (p.Gly1475Arg). This variant is not present in population databases (gnomAD no frequency). This missense change has been observed in individual(s) with epileptic encephalopathy (PMID: 27864847, 28923014, 30171078). In at least one individual the variant was observed to be de novo. ClinVar contains an entry for this variant (Variation ID: 207119). Invitae Evidence Modeling of protein sequence and biophysical properties (such as structural, functional, and spatial information, amino acid conservation, physicochemical variation, residue mobility, and thermodynamic stability) has been performed for this missense variant. However, the output from this modeling did not meet the statistical confidence thresholds required to predict the impact of this variant on SCN8A protein function. Experimental studies have shown that this missense change affects SCN8A function (PMID: 30615093). Algorithms developed to predict the effect of sequence changes on RNA splicing suggest that this variant may create or strengthen a splice site. For these reasons, this variant has been classified as Pathogenic.

3billion
Classification: Pathogenic for Developmental and epileptic encephalopathy, 13. Last evaluated: 2024-06-19. Review status: criteria provided, single submitter. Criteria: ACMG Guidelines, 2015. Collection method: clinical testing. Allele origin: germline. Affected: yes.
Comment: The variant is not observed in the gnomAD v4.0.0 dataset. Predicted Consequence/Location: Missense changes are a common disease-causing mechanism. In silico tool predictions suggest damaging effect of the variant on gene or gene product [REVEL: 0.75 (>=0.6, sensitivity 0.68 and specificity 0.92); 3Cnet: 0.86 (>=0.6, sensitivity 0.72 and precision 0.9)]. The same nucleotide change resulting in the same amino acid change has been previously reported as pathogenic/likely pathogenic with strong evidence (ClinVar ID: VCV000207119 /PMID: 27864847 /3billion dataset). The variant has been previously reported as de novo in at least two similarly affected unrelated individuals (PMID: 28923014, PMID: 30171078). A different missense change at the same codon (p.Gly1475Glu) have been reported to be associated with SCN8A related disorder (PMID: 33258288). Therefore, this variant is classified as Pathogenic according to the recommendation of ACMG/AMP guideline.

Blueprint Genetics
Classification: Pathogenic for SCN8A-related disorders. Last evaluated: 2024-05-03. Review status: criteria provided, single submitter. Criteria: ACMG Guidelines, 2015. Collection method: clinical testing. Allele origin: de novo. Affected: yes. Observed: 3 variant alleles.

CeGaT Center for Human Genetics Tuebingen
Classification: Pathogenic. Last evaluated: 2022-05-01. Review status: criteria provided, single submitter. Criteria: CeGaT Center For Human Genetics Tuebingen Variant Classification Criteria Version 2. Collection method: clinical testing. Allele origin: germline. Affected: yes. Observed: 1 variant allele.
Comment: SCN8A: PM1, PM2, PS4:Moderate, PP2, PP3, PP4, PS3:Supporting

Center of Genomic medicine, Geneva, University Hospital of Geneva
Classification: Likely pathogenic for Seizure Disorders. Last evaluated: 2017-11-06. Review status: criteria provided, single submitter. Criteria: ACMG Guidelines, 2015. Collection method: clinical testing. Allele origin: de novo. Affected: yes.

Neurogenetics Laboratory - MEYER, AOU Meyer
Classification: Likely pathogenic for Epileptic encephalopathy. Last evaluated: 2016-11-16. Review status: criteria provided, single submitter. Criteria: ACMG Guidelines, 2015. Collection method: clinical testing. Allele origin: de novo. Affected: yes. Observed: 1 heterozygote.

Genetic Services Laboratory, University of Chicago
Classification: Likely pathogenic for Epileptic encephalopathy, early infantile, 13. Last evaluated: 2015-10-29. Review status: criteria provided, single submitter. Criteria: ACMG Guidelines, 2015. Collection method: clinical testing. Allele origin: germline. Affected: yes.

Channelopathy-Associated Epilepsy Research Center
No classification provided (evidence only). Condition: Complex neurodevelopmental disorder. Review status: no classification provided. Collection method: literature only. Allele origin: not applicable. Functional consequence: Normal peak current, Normal voltage dependence of activation, Normal slope of activation, Severe increase in persistent current, Normal fast inactivation, Overall gain-of-function effect with respect to biophysical channel activity. Not counted in ClinVar's aggregate classification.
ClinVar note: "not provided" was previously submitted as the classification for the variant. However, the classification appeared to be based only on an observation of functional data so it was converted to no classification on 2025-07-30.

Literature cited by the submitters: PubMed 30615093 (cited by OLLIN Analises Genomicas, OLLIN and Labcorp Genetics (formerly Invitae), Labcorp); PubMed 27864847 (cited by Labcorp Genetics (formerly Invitae), Labcorp and 3billion); PubMed 28923014 (cited by Labcorp Genetics (formerly Invitae), Labcorp); PubMed 30171078 (cited by Labcorp Genetics (formerly Invitae), Labcorp); PubMed 33258288 (cited by 3billion); PubMed 31402610 (cited by Channelopathy-Associated Epilepsy Research Center).

NM_001330260.2(SCN8A):c.4423G>A (p.Gly1475Arg)

Gene: SCN8A (sodium voltage-gated channel alpha subunit 8; plus strand). Cytogenetic location: 12q13.13.
Variant type: single nucleotide variant.
Coding change: c.4423G>A on transcript NM_001330260.2 (MANE Select); coding-DNA position 4423, G replaced by A.
Protein change: p.Gly1475Arg; replaces glycine 1475 with arginine.
Molecular consequence: missense variant.
Genome position (GRCh38, 1-based): chr12:51,790,401, G>A. VCF-style: chr12-51790401-G-A. GRCh37 (hg19) VCF-style: chr12-52184185-G-A.
Other names: p.G1475R:GGA>AGA; c.4300G>A, p.Gly1434Arg (NM_001177984.3, NM_001369788.1); c.4423G>A, p.Gly1475Arg (NM_014191.4); short protein forms G1475R, G1434R.
Identifiers: ClinVar variation 207119 (VCV000207119.52), dbSNP rs796053216, ClinGen allele CA318276.